The following is an entry in ClinVar:

ClinVar aggregate classification (germline): Uncertain significance (1 of 4 stars; one submission).

Conditions:
Cardiovascular phenotype. Identifiers: MedGen CN230736.

Submission:

Ambry Genetics
Classification: Uncertain significance for Cardiovascular phenotype. Last evaluated: 2022-01-06. Review status: criteria provided, single submitter. Criteria: Ambry Variant Classification Scheme 2023. Collection method: clinical testing. Allele origin: germline.
Comment: The p.R250* variant (also known as c.748A>T), located in coding exon 7 of the ANKRD1 gene, results from an A to T substitution at nucleotide position 748. This changes the amino acid from an arginine to a stop codon within coding exon 7. This alteration is expected to result in premature protein truncation or nonsense-mediated mRNA decay. However, loss of function of ANKRD1 has not been clearly established as a mechanism of disease. The evidence for this gene-disease relationship is limited; therefore, the clinical significance of this alteration is unclear.

NM_014391.3(ANKRD1):c.748A>T (p.Arg250Ter)

Gene: ANKRD1 (ankyrin repeat domain 1; minus strand). Cytogenetic location: 10q23.31.
Variant type: single nucleotide variant.
Coding change: c.748A>T on transcript NM_014391.3 (MANE Select); coding-DNA position 748, A replaced by T.
Protein change: p.Arg250Ter; replaces arginine 250 with a stop codon.
Molecular consequence: nonsense.
Genome position (GRCh38, 1-based): chr10:90,915,784, T>A on the plus strand (A>T on the coding strand, the complement: ANKRD1 is on the minus strand). VCF-style: chr10-90915784-T-A. GRCh37 (hg19) VCF-style: chr10-92675541-T-A.
Other names: short protein forms R250*.
Identifiers: ClinVar variation 1759138 (VCV001759138.2), dbSNP rs2492955630, ClinGen allele CA377550006.